The following is an entry in ClinVar:

NM_016151.4(TAOK2):c.1803C>A (p.Asn601Lys)

Gene: TAOK2 (TAO kinase 2; plus strand). Cytogenetic location: 16p11.2.
Variant type: single nucleotide variant.
Coding change: c.1803C>A on transcript NM_016151.4 (MANE Select); coding-DNA position 1803, C replaced by A.
Protein change: p.Asn601Lys; replaces asparagine 601 with lysine.
Molecular consequence: missense variant.
Genome position (GRCh38, 1-based): chr16:29,985,672, C>A. VCF-style: chr16-29985672-C-A. GRCh37 (hg19) VCF-style: chr16-29996993-C-A.
Other names: c.1803C>A, p.Asn601Lys (NM_001252043.2, NM_004783.4); short protein forms N601K.
Identifiers: ClinVar variation 4767801 (VCV004767801.1).

ClinVar aggregate classification (germline): Uncertain significance (1 of 4 stars; one submission).

gnomAD v4.1: 9 of 1,609,178 alleles (0.00056%); highest among the groups gnomAD compares: Non-Finnish European, 0.00076%; no homozygotes.

Submission:

Labcorp Genetics (formerly Invitae), Labcorp
Classification: Uncertain significance. Last evaluated: 2025-12-15. Review status: criteria provided, single submitter. Criteria: Invitae Variant Classification Sherloc (09022015). Collection method: clinical testing. Allele origin: germline.
Comment: This sequence change replaces asparagine, which is neutral and polar, with lysine, which is basic and polar, at codon 601 of the TAOK2 protein (p.Asn601Lys). This variant is not present in population databases (gnomAD no frequency). This variant has not been reported in the literature in individuals affected with TAOK2-related conditions. An algorithm developed to predict the effect of missense changes on protein structure and function (PolyPhen-2) suggests that this variant is likely to be tolerated. In summary, the available evidence is currently insufficient to determine the role of this variant in disease. Therefore, it has been classified as a Variant of Uncertain Significance.